The following is an entry in ClinVar:

ClinVar aggregate classification (germline): Likely benign (1 of 4 stars; one submission).

gnomAD v4.1: 15 of 1,200,754 alleles (0.0012%); highest among the groups gnomAD compares: East Asian, 0.003%; no homozygotes.

Submission:

CeGaT Center for Human Genetics Tuebingen
Classification: Likely benign. Last evaluated: 2026-03-01. Review status: criteria provided, single submitter. Criteria: CeGaT Center For Human Genetics Tuebingen Variant Classification Criteria Version 2. Collection method: clinical testing. Allele origin: germline. Affected: yes. Observed: 1 variant allele.
Comment: GCNA: BP4

NM_052957.5(GCNA):c.1466+4T>C

Gene: GCNA (germ cell nuclear acidic peptidase; plus strand). Cytogenetic location: Xq13.1.
Variant type: single nucleotide variant.
Coding change: c.1466+4T>C on transcript NM_052957.5 (MANE Select); 4 bases into the intron after coding-DNA position 1466, T replaced by C.
Molecular consequence: intron variant.
Genome position (GRCh38, 1-based): chrX:71,605,733, T>C. VCF-style: chrX-71605733-T-C. GRCh37 (hg19) VCF-style: chrX-70825583-T-C.
Identifiers: ClinVar variation 4821946 (VCV004821946.4).